The following is an entry in ClinVar:

ClinVar aggregate classification (germline): Uncertain significance (1 of 4 stars; one submission).

Submission:

GeneDx
Classification: Uncertain significance. Last evaluated: 2023-02-11. Review status: criteria provided, single submitter. Criteria: GeneDx Variant Classification Process June 2021. Collection method: clinical testing. Allele origin: germline. Affected: yes.
Comment: Not observed at significant frequency in large population cohorts (gnomAD); In silico analysis, which includes splice predictors and evolutionary conservation, suggests this variant may damage or destroy the splice acceptor site and impact gene splicing. In the absence of RNA/functional studies, the actual effect of this sequence change is unknown; Has not been previously published as pathogenic or benign to our knowledge

NM_020738.4(KIDINS220):c.405G>T (p.Leu135=)

Gene: KIDINS220 (kinase D interacting substrate 220; minus strand). Cytogenetic location: 2p25.1.
Variant type: single nucleotide variant.
Coding change: c.405G>T on transcript NM_020738.4 (MANE Select); coding-DNA position 405, G replaced by T.
Protein change: p.Leu135=; no amino-acid change (leucine 135 retained).
Molecular consequence: synonymous variant. On other transcripts: non-coding transcript variant (2).
Genome position (GRCh38, 1-based): chr2:8,813,237, C>A on the plus strand (G>T on the coding strand, the complement: KIDINS220 is on the minus strand). VCF-style: chr2-8813237-C-A. GRCh37 (hg19) VCF-style: chr2-8953367-C-A.
Other names: c.405G>T, p.Leu135= (NM_001348729.2, NM_001348731.2, NM_001348732.2 and 9 more transcripts); c.279G>T, p.Leu93= (NM_001348736.2).
Identifiers: ClinVar variation 2575664 (VCV002575664.1), dbSNP rs2528253470, ClinGen allele CA424779809.